The following is an entry in ClinVar:

ClinVar aggregate classification (germline): Likely pathogenic (1 of 4 stars; one submission).

Conditions:
Nemaline myopathy 2 (NEM2). Also called: Nemaline myopathy 2, autosomal recessive. Identifiers: MedGen C1850569, MONDO:0009725, OMIM 256030.

Submission:

Myriad Genetics, Inc.
Classification: Likely pathogenic for Nemaline myopathy 2. Last evaluated: 2022-04-27. Review status: criteria provided, single submitter. Criteria: Myriad Women's Health Autosomal Recessive and X-Linked Classification Criteria (2021). Collection method: clinical testing. Allele origin: unknown.
Comment: NM_001271208.1(NEB):c.1694G>A(W565*) is expected to be pathogenic in the context of NEB-related nemaline myopathy. This variant is predicted to lead to an abnormal or absent protein product due to the creation of a premature termination codon in NEB, a gene where loss-of-function variants are known to be pathogenic. Please note: this variant was assessed in the context of healthy population screening.

NM_001164508.2(NEB):c.1694G>A (p.Trp565Ter)

Gene: NEB (nebulin; minus strand). Cytogenetic location: 2q23.3.
Variant type: single nucleotide variant.
Coding change: c.1694G>A on transcript NM_001164508.2 (MANE Select); coding-DNA position 1694, G replaced by A.
Protein change: p.Trp565Ter; replaces tryptophan 565 with a stop codon.
Molecular consequence: nonsense.
Genome position (GRCh38, 1-based): chr2:151,694,610, C>T on the plus strand (G>A on the coding strand, the complement: NEB is on the minus strand). VCF-style: chr2-151694610-C-T. GRCh37 (hg19) VCF-style: chr2-152551124-C-T.
Other names: c.1694G>A, p.Trp565Ter (NM_001164507.2, NM_001271208.2, NM_004543.5); short protein forms W565*.
Identifiers: ClinVar variation 1725968 (VCV001725968.2), dbSNP rs866097920, ClinGen allele CA57674892.